The following is an entry in ClinVar:

NM_001034850.3(RETREG1):c.263G>A (p.Ser88Asn)

Genes: RETREG1 (reticulophagy regulator 1; minus strand), RETREG1-AS1 (RETREG1 antisense RNA 1; plus strand). Cytogenetic location: 5p15.1.
Variant type: single nucleotide variant.
Coding change: c.263G>A on transcript NM_001034850.3 (MANE Select); coding-DNA position 263, G replaced by A.
Protein change: p.Ser88Asn; replaces serine 88 with asparagine.
Molecular consequence: missense variant.
Genome position (GRCh38, 1-based): chr5:16,616,709, C>T on the plus strand (G>A on the coding strand, the complement: RETREG1 is on the minus strand). VCF-style: chr5-16616709-C-T. GRCh37 (hg19) VCF-style: chr5-16616818-C-T.
Other names: short protein forms S88N.
Identifiers: ClinVar variation 1392277 (VCV001392277.8), dbSNP rs766100737, ClinGen allele CA3210528.

ClinVar aggregate classification (germline): Uncertain significance (1 of 4 stars; one submission).

Allele frequency attached by ClinVar (database versions not stated): gnomAD exomes 0.00001 and below 0.00001; ExAC 0.00002.

Submission:

Labcorp Genetics (formerly Invitae), Labcorp
Classification: Uncertain significance. Last evaluated: 2023-06-13. Review status: criteria provided, single submitter. Criteria: Invitae Variant Classification Sherloc (09022015). Collection method: clinical testing. Allele origin: germline.
Comment: This sequence change replaces serine, which is neutral and polar, with asparagine, which is neutral and polar, at codon 88 of the RETREG1 protein (p.Ser88Asn). The frequency data for this variant in the population databases is considered unreliable, as metrics indicate poor data quality at this position in the gnomAD database. This variant has not been reported in the literature in individuals affected with RETREG1-related conditions. ClinVar contains an entry for this variant (Variation ID: 1392277). An algorithm developed to predict the effect of missense changes on protein structure and function (PolyPhen-2) suggests that this variant is likely to be disruptive. In summary, the available evidence is currently insufficient to determine the role of this variant in disease. Therefore, it has been classified as a Variant of Uncertain Significance.